The following is an entry in ClinVar:

ClinVar aggregate classification (germline): Conflicting classifications of pathogenicity. Review status: criteria provided, conflicting classifications (1 of 4 stars). 3 submissions from 3 submitters: Likely pathogenic (2); Uncertain significance (1). Last evaluated 2025-10-01.

Conditions:
Maple syrup urine disease type 1A (MSUD1A). Also called: MSUD type 1A. Identifiers: MedGen C1855369, MONDO:0023691, OMIM 248600.
Maple syrup urine disease (MSUD). Identifiers: Orphanet 511, MedGen C0024776, MeSH D008375, MONDO:0009563. Disease mechanism: loss of function.

gnomAD v4.1: 3 of 1,614,164 alleles (0.00019%); highest among the groups gnomAD compares: East Asian, 0.0022%; no homozygotes.

Submissions (3):

CeGaT Center for Human Genetics Tuebingen
Classification: Uncertain significance. Last evaluated: 2025-10-01. Review status: criteria provided, single submitter. Criteria: CeGaT Center For Human Genetics Tuebingen Variant Classification Criteria Version 2. Collection method: clinical testing. Allele origin: germline. Affected: yes. Observed: 1 variant allele.
Comment: BCKDHA: PM2, PM3, PP3

Natera, Inc.
Classification: Likely pathogenic for Maple syrup urine disease type 1A. Last evaluated: 2025-03-21. Review status: criteria provided, single submitter. Criteria: Natera Variant Classification Schema (03/2026). Collection method: clinical testing. Allele origin: germline.
Comment: The c.712G>A variant in BCKDHA is a missense variant predicted to cause substitution of glutamic acid to lysine at amino acid 238. This variant is rare in the general population with a frequency below the threshold expected for the associated phenotype(s). This variant has been observed in one or more individuals affected with the associated recessive disease, as either homozygous or compound heterozygous with a second variant (PMID: 38837343, 37421976). This variant has been identified in one or more affected individuals with a phenotype highly consistent with the associated gene (PMID: 35193651). Computational prediction algorithms indicate this variant is likely to affect gene or protein function. Given the available evidence, this variant is classified as Likely Pathogenic.

Labcorp Genetics (formerly Invitae), Labcorp
Classification: Likely pathogenic for Maple syrup urine disease. Last evaluated: 2023-10-22. Review status: criteria provided, single submitter. Criteria: Invitae Variant Classification Sherloc (09022015). Collection method: clinical testing. Allele origin: germline.
Comment: This sequence change replaces glutamic acid, which is acidic and polar, with lysine, which is basic and polar, at codon 238 of the BCKDHA protein (p.Glu238Lys). This variant is present in population databases (no rsID available, gnomAD 0.006%). This missense change has been observed in individuals with maple syrup urine disease (PMID: 28830848). Advanced modeling of protein sequence and biophysical properties (such as structural, functional, and spatial information, amino acid conservation, physicochemical variation, residue mobility, and thermodynamic stability) performed at Invitae indicates that this missense variant is expected to disrupt BCKDHA protein function. In summary, the currently available evidence indicates that the variant is pathogenic, but additional data are needed to prove that conclusively. Therefore, this variant has been classified as Likely Pathogenic.

Literature cited by the submitters: PubMed 38837343 (cited by Natera, Inc.); PubMed 37421976 (cited by Natera, Inc.); PubMed 35193651 (cited by Natera, Inc.); PubMed 28830848 (cited by Labcorp Genetics (formerly Invitae), Labcorp).

NM_000709.4(BCKDHA):c.712G>A (p.Glu238Lys)

Gene: BCKDHA (branched chain keto acid dehydrogenase E1 subunit alpha; plus strand). Cytogenetic location: 19q13.2.
Variant type: single nucleotide variant.
Coding change: c.712G>A on transcript NM_000709.4 (MANE Select); coding-DNA position 712, G replaced by A.
Protein change: p.Glu238Lys; replaces glutamic acid 238 with lysine.
Molecular consequence: missense variant.
Genome position (GRCh38, 1-based): chr19:41,422,229, G>A. VCF-style: chr19-41422229-G-A. GRCh37 (hg19) VCF-style: chr19-41928134-G-A.
Other names: c.712G>A (NM_000709.3); c.712G>A, p.Glu238Lys (NM_001164783.2); short protein forms E238K.
Identifiers: ClinVar variation 2965132 (VCV002965132.11), dbSNP rs1303770209, ClinGen allele CA406012787.
Genomic context (GRCh38, chr19:41,422,229, plus strand): 5'-GGGGCGGCGTACGCAGCCAAGCGGGCCAATGCCAACAGGGTCGTCATCTGTTACTTCGGC[G>A]AGGGGGCAGCCAGTGAGGGGGACGCCCATGCCGGCTTCAACTTCGCTGCCACACTTGAGT-3'
Protein context (NP_000700.1, residues 228-248): ANRVVICYFG[Glu238Lys]GAASEGDAHA